The following continues an entry in ClinVar:

NM_000152.5(GAA):c.1941C>G (p.Cys647Trp)

Gene: GAA. ClinVar aggregate classification (germline): Pathogenic. Pathogenic (1).

Submissions 10 to 13 of 13:

Women's Health and Genetics/Laboratory Corporation of America, LabCorp
Classification: Pathogenic for Glycogen storage disease, type II. Last evaluated: 2021-09-27. Review status: criteria provided, single submitter. Criteria: LabCorp Variant Classification Summary - May 2015. Collection method: clinical testing. Allele origin: germline. Not counted in ClinVar's aggregate classification.
Comment: Variant summary: GAA c.1941C>G (p.Cys647Trp) results in a non-conservative amino acid change in the encoded protein sequence. Five of five in-silico tools predict a damaging effect of the variant on protein function. The variant allele was found at a frequency of 1.2e-05 in 242562 control chromosomes (gnomAD and publication data). c.1941C>G has been reported in the literature in multiple individuals affected with Glycogen Storage Disease, Type 2 (Pompe Disease) (Huie_1994, Huie_1998, McCready_2007, Kishnani_2019). These data indicate that the variant is very likely to be associated with disease. Functional studies report experimental evidence evaluating an impact on protein function and this variant results in absent enzyme activity from transfected cells and fibroblasts (Huie_1994, Huie_1998, McCready_2007). Four ClinVar submitters (evaluation after 2014) cite the variant as pathogenic (n=3) and likely pathogenic (n=1). Based on the evidence outlined above, the variant was classified as pathogenic.

GeneDx
Classification: Pathogenic. Last evaluated: 2020-10-08. Review status: criteria provided, single submitter. Criteria: GeneDx Variant Classification Process June 2021. Collection method: clinical testing. Allele origin: germline. Affected: yes. Not counted in ClinVar's aggregate classification.
Comment: Expression studies found that the variant abolished alpha-glucosidase activity compared to wild-type (Huie et al., 1994); In silico analysis, which includes protein predictors and evolutionary conservation, supports a deleterious effect; Not observed at a significant frequency in large population cohorts (Lek et al., 2016); This variant is associated with the following publications: (PMID: 31086307, 7981676, 25681614, 19588081, 22658377, 17723315, 9535769)

Broad Center for Mendelian Genomics, Broad Institute of MIT and Harvard
Classification: Pathogenic for Glycogen storage disease, type II. Last evaluated: 2020-01-22. Review status: criteria provided, single submitter. Criteria: ACMG Guidelines, 2015. Collection method: curation. Allele origin: germline. Inheritance: Autosomal recessive inheritance. Not counted in ClinVar's aggregate classification.
Comment: The p.Cys647Trp variant in GAA has been reported in at least seven individuals with glycogen storage disease II (PMID: 9535769, 17723315, 19588081, 25681614) and has been Identified in 0.002% (3/124712) of European (non-Finnish) chromosomes by the Genome Aggregation Database (gnomAD; dbSNP rs776948121). Although this variant has been seen in the general population, its frequency is low enough to be consistent with a recessive carrier frequency. This variant has also been reported in ClinVar as Pathogenic by Invitae and as Likely Pathogenic by Counsyl (VariationID: 550327). In vitro functional studies provide some evidence that the p.Cys647Trp variant may impact protein function (PMID: 9535769). However, these types of assays may not accurately represent biological function. The phenotype of an individual homozygous for this variant is highly specific for glycogen storage disease II based on GAA enzyme activity in fibroblasts being <1% of wild type, consistent with disease (PMID: 9535769, 17723315). Computational prediction tools and conservation analyses suggest that this variant may impact the protein, though this information is not predictive enough to determine pathogenicity. Additionally, the presence of this variant in homozygous individuals in individuals with glycogen storage disease II increases the likelihood that the p.Cys647Trp variant is pathogenic (PMID: 9535769, 17723315). In summary, this variant meets criteria to be classified as pathogenic for glycogen storage disease II in an autosomal recessive manner based on its presence in affected individuals in combination with other pathogenic variants or in a homozygous state, in vitro functional studies demonstrating markedly reduced expression, and low frequency in the general population. ACMG/AMP Criteria applied: PS3, PM2, PM3, PP3, PP4 (Richards 2015).

Counsyl
Classification: Likely pathogenic for Glycogen storage disease, type II. Last evaluated: 2017-01-13. Review status: no assertion criteria provided. Collection method: clinical testing. Allele origin: unknown. Not counted in ClinVar's aggregate classification.

Literature cited by the submitters: PubMed 31510962 (cited by Genomenon, Inc and Dasa); PubMed 9535769 (cited by 6 submitters); PubMed 7981676 (cited by 5 submitters); PubMed 17723315 (cited by 7 submitters); PubMed 19588081 (cited by 6 submitters); PubMed 25681614 (cited by 4 submitters); PubMed 25256446 (cited by Genomenon, Inc); PubMed 31931849 (cited by Dasa); PubMed 31086307 (cited by Dasa and Women's Health and Genetics/Laboratory Corporation of America, LabCorp); PubMed 22658377 (cited by Dasa and Labcorp Genetics (formerly Invitae), Labcorp).